The following is an entry in ClinVar:

ClinVar aggregate classification (germline): Uncertain significance (1 of 4 stars; one submission).

gnomAD v4.1: 72 of 1,613,982 alleles (0.0045%); highest among the groups gnomAD compares: African/African-American, 0.019%; no homozygotes.

Submission:

GeneDx
Classification: Uncertain significance. Last evaluated: 2026-07-17. Review status: criteria provided, single submitter. Criteria: GeneDx Variant Classification Process June 2021. Collection method: clinical testing. Allele origin: germline.
Comment: In silico analysis suggests that this missense variant does not alter protein structure/function; Has not been previously published as pathogenic or benign to our knowledge

NM_005422.4(TECTA):c.286G>A (p.Val96Ile)

Genes: TBCEL-TECTA (TBCEL-TECTA readthrough; plus strand), TECTA (tectorin alpha; plus strand). Cytogenetic location: 11q23.3.
Variant type: single nucleotide variant.
Coding change: c.286G>A on transcript NM_005422.4 (MANE Select); coding-DNA position 286, G replaced by A.
Protein change: p.Val96Ile; replaces valine 96 with isoleucine.
Molecular consequence: missense variant.
Genome position (GRCh38, 1-based): chr11:121,109,298, G>A. VCF-style: chr11-121109298-G-A. GRCh37 (hg19) VCF-style: chr11-120980007-G-A.
Other names: c.1243G>A, p.Val415Ile (NM_001378761.1); short protein forms V415I, V96I.
Identifiers: ClinVar variation 3378287 (VCV003378287.2).
Genomic context (GRCh38, chr11:121,109,298, plus strand): 5'-AATGTGCTAGTGAGCCAGTTCACGCCAGAATCCTTTCCCCTGACAGATGGGAGAGCCTTC[G>A]TCGCCCCATTTTGGGCAGATGTGCACAATGGAATTCGAGGCGAGATCTATTACAGAGAGA-3'
Protein context (NP_005413.2, residues 86-106): SFPLTDGRAF[Val96Ile]APFWADVHNG